The following is an entry in ClinVar:

ClinVar aggregate classification (germline): Uncertain significance. Review status: criteria provided, multiple submitters, no conflicts (2 of 4 stars). 2 submissions from 2 submitters: Uncertain significance (2). Last evaluated 2025-12-08.

Conditions:
Inborn genetic diseases. Identifiers: MedGen C0950123, MeSH D030342.
Atrioventricular septal defect 5 (AVSD5). Identifiers: MedGen C3280939, MONDO:0013769, OMIM 614474.

Submissions (2):

Labcorp Genetics (formerly Invitae), Labcorp
Classification: Uncertain significance for Atrioventricular septal defect 5. Last evaluated: 2025-12-08. Review status: criteria provided, single submitter. Criteria: Invitae Variant Classification Sherloc (09022015). Collection method: clinical testing. Allele origin: germline.
Comment: This sequence change replaces arginine, which is basic and polar, with serine, which is neutral and polar, at codon 132 of the GATA6 protein (p.Arg132Ser). This variant is not present in population databases (gnomAD no frequency). This variant has not been reported in the literature in individuals affected with GATA6-related conditions. ClinVar contains an entry for this variant (Variation ID: 4028548). Invitae Evidence Modeling of protein sequence and biophysical properties (such as structural, functional, and spatial information, amino acid conservation, physicochemical variation, residue mobility, and thermodynamic stability) indicates that this missense variant is not expected to disrupt GATA6 protein function with a negative predictive value of 80%. In summary, the available evidence is currently insufficient to determine the role of this variant in disease. Therefore, it has been classified as a Variant of Uncertain Significance.

Ambry Genetics
Classification: Uncertain significance for Inborn genetic diseases. Last evaluated: 2025-05-23. Review status: criteria provided, single submitter. Criteria: Ambry Variant Classification Scheme 2023. Collection method: clinical testing. Allele origin: germline.

NM_005257.6(GATA6):c.394C>A (p.Arg132Ser)

Gene: GATA6 (GATA binding protein 6; plus strand). Cytogenetic location: 18q11.2.
Variant type: single nucleotide variant.
Coding change: c.394C>A on transcript NM_005257.6 (MANE Select); coding-DNA position 394, C replaced by A.
Protein change: p.Arg132Ser; replaces arginine 132 with serine.
Molecular consequence: missense variant.
Genome position (GRCh38, 1-based): chr18:22,171,538, C>A. VCF-style: chr18-22171538-C-A. GRCh37 (hg19) VCF-style: chr18-19751499-C-A.
Other names: short protein forms R132S.
Identifiers: ClinVar variation 4028548 (VCV004028548.2).